The following is an entry in ClinVar:

NM_002941.4(ROBO1):c.1300_1301insAAAATGTTG (p.Val433_Ala434insGluAsnVal)

Gene: ROBO1 (roundabout guidance receptor 1; minus strand). Cytogenetic location: 3p12.3.
Variant type: Insertion.
Coding change: c.1300_1301insAAAATGTTG on transcript NM_002941.4 (MANE Select); coding-DNA positions 1300 to 1301, AAAATGTTG inserted.
Protein change: p.Val433_Ala434insGluAsnVal.
Genome position: GRCh38 VCF-style: chr3-78685787-G-GCAACATTTT. GRCh37 (hg19) VCF-style: chr3-78734937-G-GCAACATTTT.
Other names: c.1192_1193insAAAATGTTG, p.Val397_Ala398insGluAsnVal (NM_001145845.2, NM_133631.4).
Identifiers: ClinVar variation 3371943 (VCV003371943.1).

ClinVar aggregate classification (germline): Uncertain significance (1 of 4 stars; one submission).

Submission:

GeneDx
Classification: Uncertain significance. Last evaluated: 2024-04-01. Review status: criteria provided, single submitter. Criteria: GeneDx Variant Classification Process June 2021. Collection method: clinical testing. Allele origin: germline. Affected: yes.
Comment: Not observed at significant frequency in large population cohorts (gnomAD); In-frame insertion of 3 amino acids in a non-repeat region; Has not been previously published as pathogenic or benign to our knowledge